The following is an entry in ClinVar:

ClinVar aggregate classification (germline): Likely pathogenic (1 of 4 stars; one submission).

Conditions:
Neurodevelopmental disorder with hypotonia, facial dysmorphism, and brain abnormalities (NEDHFBA). Also called: EL-HATTAB-SCHMIDTS SYNDROME; PPP1R21-Related El-Hattab-Schmidts Syndrome. Identifiers: MedGen C5543591, MONDO:0859165, OMIM 619383.

gnomAD v4.1: 1 of 1,614,024 alleles (0.000062%); highest among the groups gnomAD compares: South Asian, 0.0011%; no homozygotes.

Submission:

Juno Genomics, Hangzhou Juno Genomics, Inc
Classification: Likely pathogenic for Neurodevelopmental disorder with hypotonia, facial dysmorphism, and brain abnormalities. Review status: criteria provided, single submitter. Criteria: ACMG Guidelines, 2015. Collection method: clinical testing. Allele origin: germline.
Comment: Absent from controls (or at extremely low frequency if recessive) in Genome Aggregation Database.;Null variant in a gene where loss of function (LOF) is a known mechanism of disease.

NM_001135629.3(PPP1R21):c.586C>T (p.Arg196Ter)

Gene: PPP1R21 (protein phosphatase 1 regulatory subunit 21; plus strand). Cytogenetic location: 2p16.3.
Variant type: single nucleotide variant.
Coding change: c.586C>T on transcript NM_001135629.3 (MANE Select); coding-DNA position 586, C replaced by T.
Protein change: p.Arg196Ter; replaces arginine 196 with a stop codon.
Molecular consequence: nonsense. On other transcripts: non-coding transcript variant (1).
Genome position (GRCh38, 1-based): chr2:48,460,140, C>T. VCF-style: chr2-48460140-C-T. GRCh37 (hg19) VCF-style: chr2-48687279-C-T.
Other names: c.586C>T, p.Arg196Ter (NM_001193475.2, NM_152994.5); short protein forms R196*.
Identifiers: ClinVar variation 5019361 (VCV005019361.2).